The following is an entry in ClinVar:

ClinVar aggregate classification (germline): Uncertain significance (1 of 4 stars; one submission).

Conditions:
Hereditary hemorrhagic telangiectasia (HHT). Also called: ORW DISEASE; Osler Weber Rendu syndrome; OSLER-RENDU-WEBER DISEASE; Osler hemorrhagic telangiectasia syndrome. Identifiers: Orphanet 774, MedGen C0039445, MONDO:0019180. Disease mechanism: loss of function.

Submission:

Labcorp Genetics (formerly Invitae), Labcorp
Classification: Uncertain significance for Hereditary hemorrhagic telangiectasia. Last evaluated: 2020-12-24. Review status: criteria provided, single submitter. Criteria: Invitae Variant Classification Sherloc (09022015). Collection method: clinical testing. Allele origin: germline.
Comment: In summary, the available evidence is currently insufficient to determine the role of this variant in disease. Therefore, it has been classified as a Variant of Uncertain Significance. Advanced modeling of protein sequence and biophysical properties (such as structural, functional, and spatial information, amino acid conservation, physicochemical variation, residue mobility, and thermodynamic stability) performed at Invitae indicates that this missense variant is not expected to disrupt ENG protein function. This variant has not been reported in the literature in individuals with ENG-related conditions. This variant is not present in population databases (ExAC no frequency). This sequence change replaces alanine with serine at codon 151 of the ENG protein (p.Ala151Ser). The alanine residue is weakly conserved and there is a moderate physicochemical difference between alanine and serine.

NM_001114753.3(ENG):c.451G>T (p.Ala151Ser)

Gene: ENG (endoglin; minus strand). Cytogenetic location: 9q34.11.
Variant type: single nucleotide variant.
Coding change: c.451G>T on transcript NM_001114753.3 (MANE Select); coding-DNA position 451, G replaced by T.
Protein change: p.Ala151Ser; replaces alanine 151 with serine.
Molecular consequence: missense variant. On other transcripts: 5 prime UTR variant (1).
Genome position (GRCh38, 1-based): chr9:127,826,582, C>A on the plus strand (G>T on the coding strand, the complement: ENG is on the minus strand). VCF-style: chr9-127826582-C-A. GRCh37 (hg19) VCF-style: chr9-130588861-C-A.
Other names: c.451G>T, p.Ala151Ser (NM_000118.4, NM_001406715.1); c.-96G>T (NM_001278138.2); short protein forms A151S.
Identifiers: ClinVar variation 1511719 (VCV001511719.9), dbSNP rs2131890519, ClinGen allele CA374984243.